The following is an entry in ClinVar:

ClinVar aggregate classification (germline): Uncertain significance (1 of 4 stars; one submission).

Conditions:
BBS2-related disorder. Also called: BBS2-related disorders; BBS2-related condition. Identifiers: MedGen CN239228.

gnomAD v4.1: 40 of 1,613,982 alleles (0.0025%); highest among the groups gnomAD compares: Non-Finnish European, 0.0033%; no homozygotes.

Submission:

PreventionGenetics, part of Exact Sciences
Classification: Uncertain significance for BBS2-related condition. Last evaluated: 2026-03-14. Review status: criteria provided, single submitter. Criteria: ACMG Guidelines, 2015. Collection method: clinical testing. Allele origin: germline.
Comment: The BBS2 c.2051G>T variant is predicted to result in the amino acid substitution p.Arg684Leu. To our knowledge, this variant has not been reported in the literature. This variant is reported in 0.0053% of alleles in individuals of European (Non-Finnish) descent in gnomAD. At this time, the clinical significance of this variant is uncertain due to the absence of conclusive functional and genetic evidence.

NM_031885.5(BBS2):c.2051G>T (p.Arg684Leu)

Gene: BBS2 (Bardet-Biedl syndrome 2; minus strand). Cytogenetic location: 16q13.
Variant type: single nucleotide variant.
Coding change: c.2051G>T on transcript NM_031885.5 (MANE Select); coding-DNA position 2051, G replaced by T.
Protein change: p.Arg684Leu; replaces arginine 684 with leucine.
Molecular consequence: missense variant. On other transcripts: non-coding transcript variant (5).
Genome position (GRCh38, 1-based): chr16:56,485,598, C>A on the plus strand (G>T on the coding strand, the complement: BBS2 is on the minus strand). VCF-style: chr16-56485598-C-A. GRCh37 (hg19) VCF-style: chr16-56519510-C-A.
Other names: c.2051G>T, p.Arg684Leu (NM_001377456.1); short protein forms R684L.
Identifiers: ClinVar variation 4989601 (VCV004989601.1).